The following is an entry in ClinVar:

NM_003722.5(TP63):c.1991A>G (p.Asp664Gly)

Gene: TP63 (tumor protein p63; plus strand). Cytogenetic location: 3q28.
Variant type: single nucleotide variant.
Coding change: c.1991A>G on transcript NM_003722.5 (MANE Select); coding-DNA position 1991, A replaced by G.
Protein change: p.Asp664Gly; replaces aspartic acid 664 with glycine.
Molecular consequence: missense variant. On other transcripts: 3 prime UTR variant (6).
Genome position (GRCh38, 1-based): chr3:189,894,450, A>G. VCF-style: chr3-189894450-A-G. GRCh37 (hg19) VCF-style: chr3-189612239-A-G.
Other names: c.*219A>G (NM_001329149.2, NM_001329150.2, NM_001329144.2 and 1 more transcripts); c.1985A>G, p.Asp662Gly (NM_001329964.2); c.*229A>G (NM_001114978.2, NM_001114981.2); c.1709A>G, p.Asp570Gly (NM_001114980.2); c.1454A>G, p.Asp485Gly (NM_001329146.2); c.1979A>G, p.Asp660Gly (NM_001329148.2); short protein forms D485G, D570G, D664G, D660G, D662G.
Identifiers: ClinVar variation 3679261 (VCV003679261.1).

ClinVar aggregate classification (germline): Uncertain significance (1 of 4 stars; one submission).

Conditions:
TP63-Related Spectrum Disorders.

Submission:

Labcorp Genetics (formerly Invitae), Labcorp
Classification: Uncertain significance. Last evaluated: 2024-03-26. Review status: criteria provided, single submitter. Criteria: Invitae Variant Classification Sherloc (09022015). Collection method: clinical testing. Allele origin: germline.
Comment: This sequence change replaces aspartic acid, which is acidic and polar, with glycine, which is neutral and non-polar, at codon 664 of the TP63 protein (p.Asp664Gly). This variant is not present in population databases (gnomAD no frequency). This variant has not been reported in the literature in individuals affected with TP63-related conditions. Advanced modeling of protein sequence and biophysical properties (such as structural, functional, and spatial information, amino acid conservation, physicochemical variation, residue mobility, and thermodynamic stability) has been performed at Invitae for this missense variant, however the output from this modeling did not meet the statistical confidence thresholds required to predict the impact of this variant on TP63 protein function. In summary, the available evidence is currently insufficient to determine the role of this variant in disease. Therefore, it has been classified as a Variant of Uncertain Significance.